The following is an entry in ClinVar:

ClinVar aggregate classification (germline): Likely pathogenic. Review status: criteria provided, multiple submitters, no conflicts (2 of 4 stars). 2 submissions from 2 submitters: Likely pathogenic (2). Last evaluated 2026-02-06.

Conditions:
Isolated anophthalmia-microphthalmia syndrome. Identifiers: Orphanet 2542, MedGen C5679828, MONDO:0016764.
Oculovertebral syndrome. Identifiers: MedGen C6065896, MONDO:0979866, OMIM 621277.

Submissions (2):

Molecular Genetics of Human Eye Development, Oxford Brookes University
Classification: Likely pathogenic for Oculovertebral syndrome. Last evaluated: 2026-02-06. Review status: criteria provided, single submitter. Criteria: ACMG Guidelines, 2015. Collection method: clinical testing. Allele origin: inherited. Affected: yes. Observed: 2 variant alleles.
Comment: The NR6A1 c.844_851dup; The variant is absent in genomic databases, including gnomAD v4.10, and predicted damaging. The variant is classified as likely pathogenic (PVS1, PM2 - ACMG Guidelines, 2015 [PMID:25741868])

Genetics Department, University Hospital of Toulouse
Classification: Likely pathogenic for Isolated anophthalmia-microphthalmia syndrome. Last evaluated: 2025-10-05. Review status: criteria provided, single submitter. Criteria: ACMG Guidelines, 2015. Collection method: clinical testing. Allele origin: maternal. Affected: yes. Observed: 2 variant alleles.
Comment: The variant NM_033334.4:c.844_851dup p.(Phe284Leufs*40) is a frameshift variant in NR6A1. It was classified as LP (PVS1, PM2).

NM_033334.4(NR6A1):c.844_851dup (p.Phe284fs)

Gene: NR6A1 (nuclear receptor subfamily 6 group A member 1; minus strand). Cytogenetic location: 9q33.3.
Variant type: Duplication.
Coding change: c.844_851dup on transcript NM_033334.4 (MANE Select); coding-DNA positions 844 to 851, 8 bases duplicated (GAACTATT; older notation c.844_851dupGAACTATT).
Protein change: p.Phe284fs; shifts the reading frame from phenylalanine 284.
Molecular consequence: frameshift variant.
Genome position (GRCh38, 1-based): chr9:124,536,106-124,536,113, AATAGTTC duplicated on the plus strand (GAACTATT on the coding strand, the reverse complement: NR6A1 is on the minus strand). VCF-style (leftmost placement, unchanged base first): chr9-124536105-A-AAATAGTTC. GRCh37 (hg19) VCF-style: chr9-127298384-A-AAATAGTTC.
Other names: c.832_839dup, p.Phe280fs (NM_001278546.2); c.841_848dup, p.Phe283fs (NM_001410996.1); c.829_836dup, p.Phe279fs (NM_001489.5); short protein forms F279fs, F280fs, F283fs, F284fs.
Identifiers: ClinVar variation 4759264 (VCV004759264.2).